The following is an entry in ClinVar:

ClinVar aggregate classification (germline): Uncertain significance (1 of 4 stars; one submission).

gnomAD v4.1: 2 of 1,612,774 alleles (0.00012%); highest among the groups gnomAD compares: Non-Finnish European, 0.00017%; no homozygotes.

Submission:

Labcorp Genetics (formerly Invitae), Labcorp
Classification: Uncertain significance. Last evaluated: 2024-09-23. Review status: criteria provided, single submitter. Criteria: Invitae Variant Classification Sherloc (09022015). Collection method: clinical testing. Allele origin: germline.
Comment: This sequence change replaces arginine, which is basic and polar, with cysteine, which is neutral and slightly polar, at codon 235 of the PLG protein (p.Arg235Cys). This variant is not present in population databases (gnomAD no frequency). This missense change has been observed in individual(s) with autosomal recessive plasminogen deficiency (internal data). Invitae Evidence Modeling of protein sequence and biophysical properties (such as structural, functional, and spatial information, amino acid conservation, physicochemical variation, residue mobility, and thermodynamic stability) indicates that this missense variant is not expected to disrupt PLG protein function with a negative predictive value of 80%. This variant disrupts the p.Arg235 amino acid residue in PLG. Other variant(s) that disrupt this residue have been observed in individuals with PLG-related conditions (PMID: 9242524, 32274221), which suggests that this may be a clinically significant amino acid residue. In summary, the available evidence is currently insufficient to determine the role of this variant in disease. Therefore, it has been classified as a Variant of Uncertain Significance.

Literature cited by the submitters: PubMed 9242524; PubMed 32274221.

NM_000301.5(PLG):c.703C>T (p.Arg235Cys)

Gene: PLG (plasminogen; plus strand). Cytogenetic location: 6q26.
Variant type: single nucleotide variant.
Coding change: c.703C>T on transcript NM_000301.5 (MANE Select); coding-DNA position 703, C replaced by T.
Protein change: p.Arg235Cys; replaces arginine 235 with cysteine.
Molecular consequence: missense variant.
Genome position (GRCh38, 1-based): chr6:160,716,679, C>T. VCF-style: chr6-160716679-C-T. GRCh37 (hg19) VCF-style: chr6-161137711-C-T.
Other names: short protein forms R235C.
Identifiers: ClinVar variation 3608421 (VCV003608421.2).